The following is an entry in ClinVar:

NM_031433.4(MFRP):c.494C>G (p.Pro165Arg)

Genes: C1QTNF5 (C1q and TNF related 5; minus strand), MFRP (membrane frizzled-related protein; minus strand). Cytogenetic location: 11q23.3.
Variant type: single nucleotide variant.
Coding change: c.494C>G on transcript NM_031433.4 (MANE Select); coding-DNA position 494, C replaced by G.
Protein change: p.Pro165Arg; replaces proline 165 with arginine.
Molecular consequence: missense variant. On other transcripts: 5 prime UTR variant (1).
Genome position (GRCh38, 1-based): chr11:119,345,567, G>C on the plus strand (C>G on the coding strand, the complement: MFRP is on the minus strand). VCF-style: chr11-119345567-G-C. GRCh37 (hg19) VCF-style: chr11-119216277-G-C.
Other names: c.-2143C>G (NM_015645.5); short protein forms P165R.
Identifiers: ClinVar variation 4707075 (VCV004707075.1).

ClinVar aggregate classification (germline): Uncertain significance (1 of 4 stars; one submission).

Conditions:
Isolated microphthalmia 5. Also called: Posterior Microphthalmia with Retinitis Pigmentosa, Foveoschisis, and Optic Disc Drusen. Identifiers: Orphanet 251279, MedGen C1970236, MONDO:0012605, OMIM 611040.

gnomAD v4.1: 19 of 1,613,930 alleles (0.0012%); highest among the groups gnomAD compares: Non-Finnish European, 0.0015%; no homozygotes.

Submission:

Labcorp Genetics (formerly Invitae), Labcorp
Classification: Uncertain significance for Isolated microphthalmia 5. Last evaluated: 2025-04-30. Review status: criteria provided, single submitter. Criteria: Invitae Variant Classification Sherloc (09022015). Collection method: clinical testing. Allele origin: germline.
Comment: This sequence change replaces proline, which is neutral and non-polar, with arginine, which is basic and polar, at codon 165 of the MFRP protein (p.Pro165Arg). This variant is present in population databases (rs369566448, gnomAD 0.004%). This variant has not been reported in the literature in individuals affected with MFRP-related conditions. Invitae Evidence Modeling of protein sequence and biophysical properties (such as structural, functional, and spatial information, amino acid conservation, physicochemical variation, residue mobility, and thermodynamic stability) indicates that this missense variant is expected to disrupt MFRP protein function with a positive predictive value of 80%. In summary, the available evidence is currently insufficient to determine the role of this variant in disease. Therefore, it has been classified as a Variant of Uncertain Significance.